The following is an entry in ClinVar:

ClinVar aggregate classification (germline): Uncertain significance. Review status: criteria provided, multiple submitters, no conflicts (2 of 4 stars). 5 submissions from 5 submitters: Uncertain significance (3). 2 of the submissions do not count toward it. Last evaluated 2025-12-22.

Conditions:
Inborn genetic diseases. Identifiers: MedGen C0950123, MeSH D030342.

Allele frequency attached by ClinVar (database versions not stated): TOPMed 0.00004; ExAC 0.00005; gnomAD exomes 0.00005 and 0.00007; gnomAD 0.00006 and 0.00007; ESP Exome Variant Server 0.00008; 1000 Genomes Project 30x 0.00016; 1000 Genomes Project 0.00020.
gnomAD v4.1: 84 of 1,559,564 alleles (0.0054%); highest among the groups gnomAD compares: Non-Finnish European, 0.0063%; no homozygotes.

Submissions (5):

Labcorp Genetics (formerly Invitae), Labcorp
Classification: Uncertain significance. Last evaluated: 2025-12-22. Review status: criteria provided, single submitter. Criteria: Invitae Variant Classification Sherloc (09022015). Collection method: clinical testing. Allele origin: germline.
Comment: This sequence change replaces valine, which is neutral and non-polar, with methionine, which is neutral and non-polar, at codon 225 of the COL9A3 protein (p.Val225Met). This variant is present in population databases (rs201165556, gnomAD 0.01%). This variant has not been reported in the literature in individuals affected with COL9A3-related conditions. ClinVar contains an entry for this variant (Variation ID: 1299960). Invitae Evidence Modeling of protein sequence and biophysical properties (such as structural, functional, and spatial information, amino acid conservation, physicochemical variation, residue mobility, and thermodynamic stability) indicates that this missense variant is not expected to disrupt COL9A3 protein function with a negative predictive value of 95%. In summary, the available evidence is currently insufficient to determine the role of this variant in disease. Therefore, it has been classified as a Variant of Uncertain Significance.

Ambry Genetics
Classification: Uncertain significance for Inborn genetic diseases. Last evaluated: 2025-01-22. Review status: criteria provided, single submitter. Criteria: Ambry Variant Classification Scheme 2023. Collection method: clinical testing. Allele origin: germline.

GeneDx
Classification: Uncertain significance. Last evaluated: 2022-10-06. Review status: criteria provided, single submitter. Criteria: GeneDx Variant Classification Process June 2021. Collection method: clinical testing. Allele origin: germline. Affected: yes.
Comment: Has not been previously published as pathogenic or benign to our knowledge; In silico analysis supports that this missense variant does not alter protein structure/function

Clinical Genetics DNA and cytogenetics Diagnostics Lab, Erasmus MC, Erasmus Medical Center
Classification: Uncertain significance. Review status: no assertion criteria provided. Collection method: clinical testing. Allele origin: germline. Affected: yes. Study: VKGL Data-share Consensus. Not counted in ClinVar's aggregate classification.

Joint Genome Diagnostic Labs from Nijmegen and Maastricht, Radboudumc and MUMC+
Classification: Uncertain significance. Review status: no assertion criteria provided. Collection method: clinical testing. Allele origin: germline. Affected: yes. Study: VKGL Data-share Consensus. Not counted in ClinVar's aggregate classification.

NM_001853.4(COL9A3):c.673G>A (p.Val225Met)

Gene: COL9A3 (collagen type IX alpha 3 chain; plus strand). Cytogenetic location: 20q13.33.
Variant type: single nucleotide variant.
Coding change: c.673G>A on transcript NM_001853.4 (MANE Select); coding-DNA position 673, G replaced by A.
Protein change: p.Val225Met; replaces valine 225 with methionine.
Molecular consequence: missense variant.
Genome position (GRCh38, 1-based): chr20:62,825,859, G>A. VCF-style: chr20-62825859-G-A. GRCh37 (hg19) VCF-style: chr20-61457211-G-A.
Other names: c.673G>A (NM_001853.3); short protein forms V225M.
Identifiers: ClinVar variation 1299960 (VCV001299960.9), dbSNP rs201165556, ClinGen allele CA9949430.